The following is an entry in ClinVar:

ClinVar aggregate classification (germline): Uncertain significance. Review status: criteria provided, multiple submitters, no conflicts (2 of 4 stars). 2 submissions from 2 submitters: Uncertain significance (2). Last evaluated 2026-04-09.

Conditions:
Inborn genetic diseases. Identifiers: MedGen C0950123, MeSH D030342.
F11-related disorder. Also called: F11-related condition.

gnomAD v4.1: 5 of 1,614,070 alleles (0.00031%); highest among the groups gnomAD compares: Admixed American, 0.0017%; no homozygotes.

Submissions (2):

PreventionGenetics, part of Exact Sciences
Classification: Uncertain significance for F11-related condition. Last evaluated: 2026-04-09. Review status: criteria provided, single submitter. Criteria: ACMG Guidelines, 2015. Collection method: clinical testing. Allele origin: germline.
Comment: The F11 c.1210A>G variant is predicted to result in the amino acid substitution p.Thr404Ala. To our knowledge, this variant has not been reported in the literature. This variant is reported in 0.012% of alleles in individuals of African descent in gnomAD. At this time, the clinical significance of this variant is uncertain due to the absence of conclusive functional and genetic evidence.

Ambry Genetics
Classification: Uncertain significance for Inborn genetic diseases. Last evaluated: 2024-10-11. Review status: criteria provided, single submitter. Criteria: Ambry Variant Classification Scheme 2023. Collection method: clinical testing. Allele origin: germline.

NM_000128.4(F11):c.1210A>G (p.Thr404Ala)

Gene: F11 (coagulation factor XI; plus strand). Cytogenetic location: 4q35.2.
Variant type: single nucleotide variant.
Coding change: c.1210A>G on transcript NM_000128.4 (MANE Select); coding-DNA position 1210, A replaced by G.
Protein change: p.Thr404Ala; replaces threonine 404 with alanine.
Molecular consequence: missense variant.
Genome position (GRCh38, 1-based): chr4:186,284,166, A>G. VCF-style: chr4-186284166-A-G. GRCh37 (hg19) VCF-style: chr4-187205320-A-G.
Other names: short protein forms T404A.
Identifiers: ClinVar variation 3511209 (VCV003511209.2).